The following is an entry in ClinVar:

ClinVar aggregate classification (germline): Uncertain significance (1 of 4 stars; one submission).

Conditions:
Familial adenomatous polyposis 1 (FAP1). Also called: FAMILIAL ADENOMATOUS POLYPOSIS 1, ATTENUATED; POLYPOSIS, ADENOMATOUS INTESTINAL. Identifiers: MedGen C2713442, MONDO:0021056, OMIM 175100. Disease mechanism: loss of function.

Submission:

Labcorp Genetics (formerly Invitae), Labcorp
Classification: Uncertain significance for Familial adenomatous polyposis 1. Last evaluated: 2022-11-15. Review status: criteria provided, single submitter. Criteria: Invitae Variant Classification Sherloc (09022015). Collection method: clinical testing. Allele origin: germline.
Comment: In summary, the available evidence is currently insufficient to determine the role of this variant in disease. Therefore, it has been classified as a Variant of Uncertain Significance. Advanced modeling of protein sequence and biophysical properties (such as structural, functional, and spatial information, amino acid conservation, physicochemical variation, residue mobility, and thermodynamic stability) performed at Invitae indicates that this missense variant is not expected to disrupt APC protein function. This variant has not been reported in the literature in individuals affected with APC-related conditions. This variant is not present in population databases (gnomAD no frequency). This sequence change replaces proline, which is neutral and non-polar, with glutamine, which is neutral and polar, at codon 2018 of the APC protein (p.Pro2018Gln).

NM_000038.6(APC):c.6053C>A (p.Pro2018Gln)

Gene: APC (APC regulator of Wnt signaling pathway; plus strand). Cytogenetic location: 5q22.2.
Variant type: single nucleotide variant.
Coding change: c.6053C>A on transcript NM_000038.6 (MANE Select); coding-DNA position 6053, C replaced by A.
Protein change: p.Pro2018Gln; replaces proline 2018 with glutamine.
Molecular consequence: missense variant. On other transcripts: non-coding transcript variant (2).
Genome position (GRCh38, 1-based): chr5:112,841,647, C>A. VCF-style: chr5-112841647-C-A. GRCh37 (hg19) VCF-style: chr5-112177344-C-A.
Other names: c.6053C>A, p.Pro2018Gln (NM_001127510.3, NM_001354895.2, NM_001407450.1); c.5999C>A, p.Pro2000Gln (NM_001127511.3); c.6107C>A, p.Pro2036Gln (NM_001354896.2, NM_001407447.1, NM_001407448.1 and 1 more transcripts); c.6083C>A, p.Pro2028Gln (NM_001354897.2); c.5978C>A, p.Pro1993Gln (NM_001354898.2); c.5969C>A, p.Pro1990Gln (NM_001354899.2); c.5930C>A, p.Pro1977Gln (NM_001354900.2); c.5876C>A, p.Pro1959Gln (NM_001354901.2, NM_001407453.1); and 11 more; short protein forms P1990Q, P2008Q, P2018Q, P2036Q, P2046Q, P1892Q, P1993Q, P2000Q.
Identifiers: ClinVar variation 2814545 (VCV002814545.3), dbSNP rs2149955822, ClinGen allele CA16034577.
Genomic context (GRCh38, chr5:112,841,647, plus strand): 5'-AACCAAGTAAACCTCAAGCATCAGGCTATGCTCCTAAATCATTTCATGTTGAAGATACCC[C>A]AGTTTGTTTCTCAAGAAACAGTTCTCTCAGTTCTCTTAGTATTGACTCTGAAGATGACCT-3'
Protein context (NP_000029.2, residues 2008-2028): APKSFHVEDT[Pro2018Gln]VCFSRNSSLS